The following is an entry in ClinVar:

ClinVar aggregate classification (germline): Uncertain significance. Review status: criteria provided, multiple submitters, no conflicts (2 of 4 stars). 2 submissions from 2 submitters: Uncertain significance (2). Last evaluated 2026-06-20.

Conditions:
Inborn genetic diseases. Identifiers: MedGen C0950123, MeSH D030342.
Baller-Gerold syndrome (BGS). Also called: CRANIOSYNOSTOSIS WITH RADIAL DEFECTS. Identifiers: Orphanet 1225, MedGen C0265308, MONDO:0009039, OMIM 218600.

Allele frequency attached by ClinVar (database versions not stated): gnomAD 0.00001.
gnomAD v4.1: 2 of 1,610,826 alleles (0.00012%); highest among the groups gnomAD compares: African/African-American, 0.0013%; no homozygotes.

Submissions (2):

Ambry Genetics
Classification: Uncertain significance for Inborn genetic diseases. Last evaluated: 2026-06-20. Review status: criteria provided, single submitter. Criteria: Ambry Variant Classification Scheme 2023. Collection method: clinical testing. Allele origin: germline.
Comment: The p.G115R variant (also known as c.343G>C), located in coding exon 4 of the RECQL4 gene, results from a G to C substitution at nucleotide position 343. The glycine at codon 115 is replaced by arginine, an amino acid with dissimilar properties. This amino acid position is conserved. In addition, this alteration is predicted to be tolerated by in silico analysis. Based on the available evidence, the clinical significance of this variant remains unclear.

Labcorp Genetics (formerly Invitae), Labcorp
Classification: Uncertain significance for Baller-Gerold syndrome. Last evaluated: 2022-08-12. Review status: criteria provided, single submitter. Criteria: Invitae Variant Classification Sherloc (09022015). Collection method: clinical testing. Allele origin: germline.
Comment: In summary, the available evidence is currently insufficient to determine the role of this variant in disease. Therefore, it has been classified as a Variant of Uncertain Significance. Experimental studies and prediction algorithms are not available or were not evaluated, and the functional significance of this variant is currently unknown. This variant has not been reported in the literature in individuals affected with RECQL4-related conditions. This variant is not present in population databases (gnomAD no frequency). This sequence change replaces glycine, which is neutral and non-polar, with arginine, which is basic and polar, at codon 115 of the RECQL4 protein (p.Gly115Arg).

NM_004260.4(RECQL4):c.343G>C (p.Gly115Arg)

Gene: RECQL4 (RecQ like helicase 4; minus strand). Cytogenetic location: 8q24.3.
Variant type: single nucleotide variant.
Coding change: c.343G>C on transcript NM_004260.4 (MANE Select); coding-DNA position 343, G replaced by C.
Protein change: p.Gly115Arg; replaces glycine 115 with arginine.
Molecular consequence: missense variant.
Genome position (GRCh38, 1-based): chr8:144,517,061, C>G on the plus strand (G>C on the coding strand, the complement: RECQL4 is on the minus strand). VCF-style: chr8-144517061-C-G. GRCh37 (hg19) VCF-style: chr8-145742445-C-G.
Other names: c.343G>C, p.Gly115Arg (NM_001413017.1, NM_001413018.1, NM_001413019.1 and 5 more transcripts); c.-378G>C (NM_001413021.1); c.-729G>C (NM_001413022.1, NM_001413023.1, NM_001413037.1 and 3 more transcripts); c.-626G>C (NM_001413024.1, NM_001413035.1); c.214G>C, p.Gly72Arg (NM_001413025.1); c.-791G>C (NM_001413027.1, NM_001413030.1, NM_001413031.1 and 1 more transcripts); c.-454G>C (NM_001413028.1); c.-688G>C (NM_001413032.1); and 3 more; short protein forms G72R, G115R.
Identifiers: ClinVar variation 2144437 (VCV002144437.5), dbSNP rs1289970181, ClinGen allele CA372691911.